The following is an entry in ClinVar:

ClinVar aggregate classification (germline): Conflicting classifications of pathogenicity. Review status: criteria provided, conflicting classifications (1 of 4 stars). 6 submissions from 6 submitters: Uncertain significance (4); Likely benign (2). Last evaluated 2026-01-12.

Conditions:
Autosomal dominant epilepsy with auditory features. Identifiers: Orphanet 101046, MedGen C1838062, MONDO:0010898.
Inborn genetic diseases. Identifiers: MedGen C0950123, MeSH D030342.
Epilepsy, familial temporal lobe, 1. Identifiers: Orphanet 101046, MedGen CN030884, MONDO:0700090, OMIM 600512.

Allele frequency attached by ClinVar (database versions not stated): gnomAD 0.00005; TOPMed 0.00005; ExAC 0.00006; gnomAD exomes 0.00006 and 0.00007; ESP Exome Variant Server 0.00008.
gnomAD v4.1: 103 of 1,613,950 alleles (0.0064%); highest among the groups gnomAD compares: Middle Eastern, 0.016%; no homozygotes.

Submissions (6):

Labcorp Genetics (formerly Invitae), Labcorp
Classification: Uncertain significance for Autosomal dominant epilepsy with auditory features. Last evaluated: 2026-01-12. Review status: criteria provided, single submitter. Criteria: Invitae Variant Classification Sherloc (09022015). Collection method: clinical testing. Allele origin: germline.
Comment: This sequence change replaces aspartic acid, which is acidic and polar, with asparagine, which is neutral and polar, at codon 104 of the LGI1 protein (p.Asp104Asn). This variant is present in population databases (rs145675377, gnomAD 0.01%). This variant has not been reported in the literature in individuals affected with LGI1-related conditions. ClinVar contains an entry for this variant (Variation ID: 408589). Invitae Evidence Modeling of protein sequence and biophysical properties (such as structural, functional, and spatial information, amino acid conservation, physicochemical variation, residue mobility, and thermodynamic stability) indicates that this missense variant is not expected to disrupt LGI1 protein function with a negative predictive value of 80%. In summary, the available evidence is currently insufficient to determine the role of this variant in disease. Therefore, it has been classified as a Variant of Uncertain Significance.

Blueprint Genetics
Classification: Likely benign. Last evaluated: 2024-06-28. Review status: criteria provided, single submitter. Criteria: ACMG Guidelines, 2015. Collection method: clinical testing. Allele origin: germline.

New York Genome Center
Classification: Uncertain significance for Epilepsy, familial temporal lobe, 1. Last evaluated: 2021-08-26. Review status: criteria provided, single submitter. Criteria: NYGC Assertion Criteria 2020. Collection method: clinical testing. Allele origin: inherited. Observed: 1 heterozygote. Study: CSER-NYCKidSeq.

Department of Pathology and Laboratory Medicine, Sinai Health System
Classification: Uncertain significance for Epilepsy, familial temporal lobe, 1. Last evaluated: 2020-05-06. Review status: criteria provided, single submitter. Criteria: ACMG Guidelines, 2015. Collection method: research. Allele origin: germline.

Fulgent Genetics
Classification: Uncertain significance for Epilepsy, familial temporal lobe, 1. Last evaluated: 2018-10-31. Review status: criteria provided, single submitter. Criteria: ACMG Guidelines, 2015. Collection method: clinical testing. Allele origin: unknown.

Ambry Genetics
Classification: Likely benign for Inborn genetic diseases. Last evaluated: 2018-02-14. Review status: criteria provided, single submitter. Criteria: Ambry Variant Classification Scheme 2023. Collection method: clinical testing. Allele origin: germline.

NM_005097.4(LGI1):c.310G>A (p.Asp104Asn)

Gene: LGI1 (leucine rich glioma inactivated 1; plus strand). Cytogenetic location: 10q23.33.
Variant type: single nucleotide variant.
Coding change: c.310G>A on transcript NM_005097.4 (MANE Select); coding-DNA position 310, G replaced by A.
Protein change: p.Asp104Asn; replaces aspartic acid 104 with asparagine.
Molecular consequence: missense variant. On other transcripts: intron variant (1).
Genome position (GRCh38, 1-based): chr10:93,777,401, G>A. VCF-style: chr10-93777401-G-A. GRCh37 (hg19) VCF-style: chr10-95537158-G-A.
Other names: c.310G>A, p.Asp104Asn (NM_001308275.2); c.288-12698G>A (NM_001308276.2); short protein forms D104N.
Identifiers: ClinVar variation 408589 (VCV000408589.14), dbSNP rs145675377, ClinGen allele CA5611063.